The following is an entry in ClinVar:

ClinVar aggregate classification (germline): Uncertain significance (1 of 4 stars; one submission).

Submission:

GeneDx
Classification: Uncertain significance. Last evaluated: 2020-07-21. Review status: criteria provided, single submitter. Criteria: GeneDx Variant Classification Process June 2021. Collection method: clinical testing. Allele origin: germline. Affected: yes.
Comment: Not observed in large population cohorts (Lek et al., 2016); In silico analysis supports that this missense variant has a deleterious effect on protein structure/function; Has not been previously published as pathogenic or benign to our knowledge

NM_001384140.1(PCDH15):c.16T>A (p.Tyr6Asn)

Gene: PCDH15 (protocadherin related 15; minus strand). Cytogenetic location: 10q21.1.
Variant type: single nucleotide variant.
Coding change: c.16T>A on transcript NM_001384140.1 (MANE Select); coding-DNA position 16, T replaced by A.
Protein change: p.Tyr6Asn; replaces tyrosine 6 with asparagine.
Molecular consequence: missense variant.
Genome position (GRCh38, 1-based): chr10:54,664,247, A>T on the plus strand (T>A on the coding strand, the complement: PCDH15 is on the minus strand). VCF-style: chr10-54664247-A-T. GRCh37 (hg19) VCF-style: chr10-56424007-A-T.
Other names: c.16T>A, p.Tyr6Asn (NM_001142763.2, NM_001142764.2, NM_001142765.2 and 14 more transcripts); short protein forms Y6N.
Identifiers: ClinVar variation 1313101 (VCV001313101.2), dbSNP rs2135422594, ClinGen allele CA376542017.